The following is an entry in ClinVar:

ClinVar aggregate classification (germline): Uncertain significance (1 of 4 stars; one submission).

Conditions:
Cardiovascular phenotype. Identifiers: MedGen CN230736.

Allele frequency attached by ClinVar (database versions not stated): TOPMed below 0.00001; gnomAD 0.00001.
gnomAD v4.1: 1 of 1,611,434 alleles (0.000062%); highest among the groups gnomAD compares: Non-Finnish European, 0.000085%; no homozygotes.

Submission:

Ambry Genetics
Classification: Uncertain significance for Cardiovascular phenotype. Last evaluated: 2023-06-29. Review status: criteria provided, single submitter. Criteria: Ambry Variant Classification Scheme 2023. Collection method: clinical testing. Allele origin: germline.
Comment: The p.E1869Q variant (also known as c.5605G>C), located in coding exon 23 of the AKAP9 gene, results from a G to C substitution at nucleotide position 5605. The glutamic acid at codon 1869 is replaced by glutamine, an amino acid with highly similar properties. This amino acid position is conserved. In addition, this alteration is predicted to be tolerated by in silico analysis. Since supporting evidence is limited at this time, the clinical significance of this alteration remains unclear.

NM_005751.5(AKAP9):c.5605G>C (p.Glu1869Gln)

Gene: AKAP9 (A-kinase anchoring protein 9; plus strand). Cytogenetic location: 7q21.2.
Variant type: single nucleotide variant.
Coding change: c.5605G>C on transcript NM_005751.5 (MANE Select); coding-DNA position 5605, G replaced by C.
Protein change: p.Glu1869Gln; replaces glutamic acid 1869 with glutamine.
Molecular consequence: missense variant.
Genome position (GRCh38, 1-based): chr7:92,061,263, G>C. VCF-style: chr7-92061263-G-C. GRCh37 (hg19) VCF-style: chr7-91690577-G-C.
Other names: c.250G>C, p.Glu84Gln (NM_001379277.1); c.5605G>C, p.Glu1869Gln (NM_147185.3); short protein forms E84Q, E1869Q.
Identifiers: ClinVar variation 2626279 (VCV002626279.2), dbSNP rs1177772169, ClinGen allele CA368131445.
Genomic context (GRCh38, chr7:92,061,263, plus strand): 5'-GAAACTAGTATTTCCACACTTTATTTTCTTTTATGTATTGTTTCCCTCTTTGTTTAGCTT[G>C]AACATGCGAAAGTGACACAGACAGAGTTGATGCGTGAGTCATTTAGACAGAAACAAGAAG-3'
Protein context (NP_005742.4, residues 1859-1879): EAISETSSQL[Glu1869Gln]HAKVTQTELM